The following is an entry in ClinVar:

NM_153717.3(EVC):c.1186C>T (p.Arg396Trp)

Gene: EVC (EvC ciliary complex subunit 1; plus strand). Cytogenetic location: 4p16.2.
Variant type: single nucleotide variant.
Coding change: c.1186C>T on transcript NM_153717.3 (MANE Select); coding-DNA position 1186, C replaced by T.
Protein change: p.Arg396Trp; replaces arginine 396 with tryptophan.
Molecular consequence: missense variant.
Genome position (GRCh38, 1-based): chr4:5,752,923, C>T. VCF-style: chr4-5752923-C-T. GRCh37 (hg19) VCF-style: chr4-5754650-C-T.
Other names: c.1186C>T, p.Arg396Trp (NM_001306090.2, NM_001306092.2); short protein forms R396W.
Identifiers: ClinVar variation 2039953 (VCV002039953.2), dbSNP rs762412181, ClinGen allele CA356153606.

ClinVar aggregate classification (germline): Uncertain significance. Review status: criteria provided, multiple submitters, no conflicts (2 of 4 stars). 2 submissions from 2 submitters: Uncertain significance (2). Last evaluated 2024-10-15.

Conditions:
Ellis-van Creveld syndrome (EVC). Also called: MESOECTODERMAL DYSPLASIA; Chondroectodermal dysplasia. Identifiers: Orphanet 289, MedGen C0013903, MONDO:0009162, OMIM 225500.
Curry-Hall syndrome (WAD). Also called: WEYERS ACRODENTAL DYSOSTOSIS. Identifiers: Orphanet 952, MedGen C0457013, MONDO:0008673, OMIM 193530.

Allele frequency attached by ClinVar (database versions not stated): gnomAD 0.00002.
gnomAD v4.1: 53 of 1,614,046 alleles (0.0033%); highest among the groups gnomAD compares: Middle Eastern, 0.016%; no homozygotes.

Submissions (2):

Blueprint Genetics
Classification: Uncertain significance. Last evaluated: 2024-10-15. Review status: criteria provided, single submitter. Criteria: ACMG Guidelines, 2015. Collection method: clinical testing. Allele origin: germline.

Labcorp Genetics (formerly Invitae), Labcorp
Classification: Uncertain significance for Curry-Hall syndrome; Ellis-van Creveld syndrome. Last evaluated: 2021-09-01. Review status: criteria provided, single submitter. Criteria: Invitae Variant Classification Sherloc (09022015). Collection method: clinical testing. Allele origin: germline.
Comment: This sequence change replaces arginine with tryptophan at codon 396 of the EVC protein (p.Arg396Trp). The arginine residue is highly conserved and there is a moderate physicochemical difference between arginine and tryptophan. This variant is not present in population databases (ExAC no frequency). This variant has not been reported in the literature in individuals affected with EVC-related conditions. Algorithms developed to predict the effect of missense changes on protein structure and function are either unavailable or do not agree on the potential impact of this missense change (SIFT: "Deleterious"; PolyPhen-2: "Benign"; Align-GVGD: "Class C0"). In summary, the available evidence is currently insufficient to determine the role of this variant in disease. Therefore, it has been classified as a Variant of Uncertain Significance.